The following is an entry in ClinVar:

NM_182919.4(TICAM1):c.1102T>C (p.Ser368Pro)

Gene: TICAM1 (TIR domain containing adaptor molecule 1; minus strand). Cytogenetic location: 19p13.3.
Variant type: single nucleotide variant.
Coding change: c.1102T>C on transcript NM_182919.4 (MANE Select); coding-DNA position 1102, T replaced by C.
Protein change: p.Ser368Pro; replaces serine 368 with proline.
Molecular consequence: missense variant.
Genome position (GRCh38, 1-based): chr19:4,817,276, A>G on the plus strand (T>C on the coding strand, the complement: TICAM1 is on the minus strand). VCF-style: chr19-4817276-A-G. GRCh37 (hg19) VCF-style: chr19-4817288-A-G.
Other names: c.1060T>C, p.Ser354Pro (NM_001385678.1); c.967T>C, p.Ser323Pro (NM_001385679.1); c.460T>C, p.Ser154Pro (NM_001385680.1); short protein forms S154P, S323P, S354P, S368P.
Identifiers: ClinVar variation 1010270 (VCV001010270.10), dbSNP rs1028603882, ClinGen allele CA304547751.

ClinVar aggregate classification (germline): Conflicting classifications of pathogenicity. Review status: criteria provided, conflicting classifications (1 of 4 stars). 2 submissions from 2 submitters: Uncertain significance (1); Likely benign (1). Last evaluated 2026-01-12.

Conditions:
Encephalopathy, acute, infection-induced (herpes-specific), susceptibility to, 6. Also called: Herpes simplex encephalitis, susceptibility to, 4. Identifiers: Orphanet 1930, MedGen C3553869, MONDO:0013921, OMIM 614850.

Allele frequency attached by ClinVar (database versions not stated): gnomAD exomes 0.00004; gnomAD 0.00001; TOPMed 0.00001.
gnomAD v4.1: 50 of 1,603,148 alleles (0.0031%); highest among the groups gnomAD compares: East Asian, 0.1%; no homozygotes.

Submissions (2):

Labcorp Genetics (formerly Invitae), Labcorp
Classification: Uncertain significance for Encephalopathy, acute, infection-induced (herpes-specific), susceptibility to, 6. Last evaluated: 2026-01-12. Review status: criteria provided, single submitter. Criteria: Invitae Variant Classification Sherloc (09022015). Collection method: clinical testing. Allele origin: germline.
Comment: This sequence change replaces serine, which is neutral and polar, with proline, which is neutral and non-polar, at codon 368 of the TICAM1 protein (p.Ser368Pro). This variant is not present in population databases (gnomAD no frequency). This variant has not been reported in the literature in individuals affected with TICAM1-related conditions. ClinVar contains an entry for this variant (Variation ID: 1010270). An algorithm developed to predict the effect of missense changes on protein structure and function outputs the following: PolyPhen-2: "Benign". The proline amino acid residue is found in multiple mammalian species, which suggests that this missense change does not adversely affect protein function. In summary, the available evidence is currently insufficient to determine the role of this variant in disease. Therefore, it has been classified as a Variant of Uncertain Significance.

Blueprint Genetics
Classification: Likely benign. Last evaluated: 2021-03-10. Review status: criteria provided, single submitter. Criteria: ACMG Guidelines, 2015. Collection method: clinical testing. Allele origin: germline.